The following is an entry in ClinVar:

NM_001009944.3(PKD1):c.2781_2782insAG (p.Ala928fs)

Gene: PKD1 (polycystin 1, transient receptor potential channel interacting; minus strand). Cytogenetic location: 16p13.3.
Variant type: Insertion.
Coding change: c.2781_2782insAG on transcript NM_001009944.3 (MANE Select); coding-DNA positions 2781 to 2782, AG inserted.
Protein change: p.Ala928fs; shifts the reading frame from alanine 928.
Molecular consequence: frameshift variant.
Genome position: GRCh38 VCF-style: chr16-2114241-C-CCT. GRCh37 (hg19) VCF-style: chr16-2164242-C-CCT.
Other names: c.2781_2782insAG, p.Ala928fs (NM_000296.4); short protein forms A928fs.
Identifiers: ClinVar variation 817248 (VCV000817248.3), dbSNP rs1596574987, ClinGen allele CA915949011.

ClinVar aggregate classification (germline): Pathogenic. Review status: criteria provided, multiple submitters, no conflicts (2 of 4 stars). 3 submissions from 3 submitters: Pathogenic (3). Last evaluated 2026-05-04.

Conditions:
PKD1-related disorder. Also called: PKD1-related condition.
Polycystic kidney disease, adult type (PKD1). Also called: Polycystic Kidney Disease 1, Autosomal Dominant; Polycystic kidney disease 1; Polycystic kidney disease 1, severe; POLYCYSTIC KIDNEY DISEASE, ADULT, TYPE I; Polycystic Kidney, Autosomal Dominant; POLYCYSTIC KIDNEY DISEASE 1 WITH OR WITHOUT POLYCYSTIC LIVER DISEASE. Identifiers: MedGen C3149841, MONDO:0008263, OMIM 173900.

Submissions (3):

PreventionGenetics, part of Exact Sciences
Classification: Pathogenic for PKD1-related condition. Last evaluated: 2026-05-04. Review status: criteria provided, single submitter. Criteria: ACMG Guidelines, 2015. Collection method: clinical testing. Allele origin: germline.
Comment: The PKD1 c.2781_2782insAG variant is predicted to result in a frameshift and premature protein termination (p.Ala928Argfs*24). To our knowledge, this variant has not been reported in the literature or in a large population database (gnomAD), indicating this variant is rare. Frameshift variants in PKD1 are expected to be pathogenic. This variant is interpreted as pathogenic.

Fulgent Genetics
Classification: Pathogenic for Polycystic kidney disease, adult type. Last evaluated: 2024-06-10. Review status: criteria provided, single submitter. Criteria: ACMG Guidelines, 2015. Collection method: clinical testing. Allele origin: germline.

GeneDx
Classification: Pathogenic. Last evaluated: 2018-09-25. Review status: criteria provided, single submitter. Criteria: GeneDx Variant Classification (06012015). Collection method: clinical testing. Allele origin: germline. Affected: yes.
Comment: The c.2781_2782insAG variant in the PKD1 gene has not been reported previously as a pathogenic variant nor as a benign variant, to our knowledge. The c.2781_2782insAG variant causes a frameshift starting with codon Alanine 928, changes this amino acid to an Arginine residue, and creates a premature Stop codon at position 24 of the new reading frame, denoted p.Ala928ArgfsX24. This variant is predicted to cause loss of normal protein function either through protein truncation or nonsense-mediated mRNA decay. The c.2781_2782insAG variant is not observed in large population cohorts (Lek et al., 2016). We interpret c.2781_2782insAG as a pathogenic variant.